The following is an entry in ClinVar:

ClinVar aggregate classification (germline): Uncertain significance (1 of 4 stars; one submission).

Conditions:
Neuropathy, hereditary sensory and autonomic, type 2A (HSAN2A). Also called: MORVAN DISEASE; NEUROPATHY, CONGENITAL SENSORY; NEUROPATHY, HEREDITARY SENSORY RADICULAR, AUTOSOMAL RECESSIVE; NEUROPATHY, HEREDITARY SENSORY, TYPE IIA; NEUROPATHY, PROGRESSIVE SENSORY, OF CHILDREN; HSAN IIA. Identifiers: Orphanet 970, MedGen C2752089, MONDO:0024309, OMIM 201300.
Generalized epilepsy with febrile seizures plus, type 7 (GEFSP7). Also called: GEFS+, TYPE 7. Identifiers: Orphanet 36387, MedGen C2751778, MONDO:0013470, OMIM 613863.

Submission:

Labcorp Genetics (formerly Invitae), Labcorp
Classification: Uncertain significance for Neuropathy, hereditary sensory and autonomic, type 2A; Generalized epilepsy with febrile seizures plus, type 7. Last evaluated: 2023-10-16. Review status: criteria provided, single submitter. Criteria: Invitae Variant Classification Sherloc (09022015). Collection method: clinical testing. Allele origin: germline.
Comment: This sequence change replaces glutamine, which is neutral and polar, with histidine, which is basic and polar, at codon 240 of the SCN9A protein (p.Gln240His). This variant is not present in population databases (gnomAD no frequency). This variant has not been reported in the literature in individuals affected with SCN9A-related conditions. Advanced modeling of protein sequence and biophysical properties (such as structural, functional, and spatial information, amino acid conservation, physicochemical variation, residue mobility, and thermodynamic stability) performed at Invitae indicates that this missense variant is not expected to disrupt SCN9A protein function. In summary, the available evidence is currently insufficient to determine the role of this variant in disease. Therefore, it has been classified as a Variant of Uncertain Significance.

NM_001365536.1(SCN9A):c.720G>T (p.Gln240His)

Gene: SCN9A (sodium voltage-gated channel alpha subunit 9; minus strand). Cytogenetic location: 2q24.3.
Variant type: single nucleotide variant.
Coding change: c.720G>T on transcript NM_001365536.1 (MANE Select); coding-DNA position 720, G replaced by T.
Protein change: p.Gln240His; replaces glutamine 240 with histidine.
Molecular consequence: missense variant.
Genome position (GRCh38, 1-based): chr2:166,303,271, C>A on the plus strand (G>T on the coding strand, the complement: SCN9A is on the minus strand). VCF-style: chr2-166303271-C-A. GRCh37 (hg19) VCF-style: chr2-167159781-C-A.
Other names: c.720G>T, p.Gln240His (NM_002977.4); short protein forms Q240H.
Identifiers: ClinVar variation 2952947 (VCV002952947.3), dbSNP rs2468118481, ClinGen allele CA349093153.